The following is an entry in ClinVar:

NM_177965.4(CFAP418):c.*2094C>T

Gene: CFAP418 (cilia and flagella associated protein 418; minus strand). Cytogenetic location: 8q22.1.
Variant type: single nucleotide variant.
Coding change: c.*2094C>T on transcript NM_177965.4 (MANE Select); 2094 bases downstream of the stop codon, C replaced by T.
Molecular consequence: 3 prime UTR variant.
Genome position (GRCh38, 1-based): chr8:95,245,523, G>A on the plus strand (C>T on the coding strand, the complement: CFAP418 is on the minus strand). VCF-style: chr8-95245523-G-A. GRCh37 (hg19) VCF-style: chr8-96257751-G-A.
Other names: c.*2094C>T (NM_001363260.1).
Identifiers: ClinVar variation 913482 (VCV000913482.4), dbSNP rs145349633, ClinGen allele CA182087891.

ClinVar aggregate classification (germline): Benign/Likely benign. Review status: criteria provided, single submitter (1 of 4 stars). 2 submissions from 1 submitter: Benign (1); Likely benign (1). Last evaluated 2017-04-27.

Conditions:
Cone-rod dystrophy 16 (CORD16). Identifiers: MedGen C3281045, MONDO:0013786, OMIM 614500.
Retinitis pigmentosa (RP). Identifiers: Orphanet 791, MedGen C0035334, MeSH D012174, MONDO:0019200, OMIM 268000. Inheritance: Autosomal dominant, autosomal recessive and X linked inheritance.

Allele frequency attached by ClinVar (database versions not stated): gnomAD 0.01027 and 0.01119; TOPMed 0.01140; 1000 Genomes Project 30x 0.01218; 1000 Genomes Project 0.01238.

Submissions (2):

Illumina Laboratory Services, Illumina
Classification: Likely benign for Retinitis pigmentosa. Last evaluated: 2017-04-27. Review status: criteria provided, single submitter. Criteria: ICSL Variant Classification Criteria 13 December 2019. Collection method: clinical testing. Allele origin: germline.
Comment: This variant was observed as part of a predisposition screen in an ostensibly healthy population. A literature search was performed for the gene, cDNA change, and amino acid change (where applicable). No publications were found based on this search. Allele frequency data from public databases allowed determination this variant is unlikely to cause disease. Therefore, this variant is classified as likely benign.

Illumina Laboratory Services, Illumina
Classification: Benign for Cone-rod dystrophy 16. Last evaluated: 2017-04-27. Review status: criteria provided, single submitter. Criteria: ICSL Variant Classification Criteria 13 December 2019. Collection method: clinical testing. Allele origin: germline.
Comment: This variant was observed as part of a predisposition screen in an ostensibly healthy population. A literature search was performed for the gene, cDNA change, and amino acid change (where applicable). No publications were found based on this search. Allele frequency data from public databases was too high to be consistent with this variant causing disease. Therefore, this variant is classified as benign.